The following is an entry in ClinVar:

ClinVar aggregate classification (germline): Pathogenic/Likely pathogenic. Review status: criteria provided, multiple submitters, no conflicts (2 of 4 stars). 2 submissions from 2 submitters: Pathogenic (1); Likely pathogenic (1). Last evaluated 2025-11-05.

Conditions:
Hereditary cancer-predisposing syndrome. Also called: Neoplastic Syndromes, Hereditary; Hereditary Cancer Syndrome; Hereditary neoplastic syndrome; Tumor predisposition. Identifiers: Orphanet 140162, MedGen C0027672, MeSH D009386, MONDO:0015356.
Fanconi anemia (FA). Also called: Fanconi's anemia. Identifiers: Orphanet 84, MedGen C0015625, MeSH D005199, MONDO:0019391.

Allele frequency attached by ClinVar (database versions not stated): gnomAD 0.00001; gnomAD exomes 0.00001; TOPMed 0.00001.

Submissions (2):

Labcorp Genetics (formerly Invitae), Labcorp
Classification: Pathogenic for Fanconi anemia. Last evaluated: 2025-11-05. Review status: criteria provided, single submitter. Criteria: Invitae Variant Classification Sherloc (09022015). Collection method: clinical testing. Allele origin: germline.
Comment: This sequence change creates a premature translational stop signal (p.Arg405*) in the FANCM gene. It is expected to result in an absent or disrupted protein product. Loss-of-function variants in FANCM are known to be pathogenic (PMID: 29895858, 30075111). This variant is not present in population databases (gnomAD no frequency). This variant has not been reported in the literature in individuals affected with FANCM-related conditions. ClinVar contains an entry for this variant (Variation ID: 1457845). Algorithms developed to predict the effect of sequence changes on RNA splicing suggest that this variant may disrupt the consensus splice site. For these reasons, this variant has been classified as Pathogenic.

Sema4
Classification: Likely pathogenic for Hereditary cancer-predisposing syndrome. Last evaluated: 2022-01-06. Review status: criteria provided, single submitter. Criteria: Sema4 Curation Guidelines. Collection method: curation. Allele origin: germline.
Comment: To the best of our knowledge, the FANCM c.1213C>T (p.R405X) variant has not been reported in individuals with FANCM-related disease. In a case-control study, it was detected in 1/4993 controls and in 0/5054 females with breast cancer. This nonsense variant creates a premature stop codon at residue 405 of the FANCM protein. At this location, this variant is predicted to cause loss of normal protein function either through protein truncation or nonsense-mediated mRNA decay. Loss of function variants in FANCM are known to be pathogenic (PMID: 25288723). This variant is not reported in the population database Genome Aggregation Database (PMID: 32461654). This variant has not been reported in ClinVar. Based on the current evidence available, this variant is interpreted as likely pathogenic.

Literature cited by the submitters: PubMed 29895858 (cited by Labcorp Genetics (formerly Invitae), Labcorp); PubMed 30075111 (cited by Labcorp Genetics (formerly Invitae), Labcorp); PubMed 25288723 (cited by Sema4).

NM_020937.4(FANCM):c.1213C>T (p.Arg405Ter)

Gene: FANCM (FA complementation group M; plus strand). Cytogenetic location: 14q21.2.
Variant type: single nucleotide variant.
Coding change: c.1213C>T on transcript NM_020937.4 (MANE Select); coding-DNA position 1213, C replaced by T.
Protein change: p.Arg405Ter; replaces arginine 405 with a stop codon.
Molecular consequence: nonsense.
Genome position (GRCh38, 1-based): chr14:45,154,726, C>T. VCF-style: chr14-45154726-C-T. GRCh37 (hg19) VCF-style: chr14-45623929-C-T.
Other names: c.1135C>T, p.Arg379Ter (NM_001308133.2); c.1213C>T, p.Arg405Ter (NM_001308134.2); short protein forms R379*, R405*.
Identifiers: ClinVar variation 1457845 (VCV001457845.7), dbSNP rs1034818403, ClinGen allele CA259616449.
Genomic context (GRCh38, chr14:45,154,726, plus strand): 5'-TTATTTGAAAACCTTTTCTTAATTTCTGAAGGGATGACACGGTCAAAAAATGAACTTGGC[C>T]GAAATGAAGACTTCATGAAACTCTATAATCATCTAGAGTGTATGTTTGCACGTACACGTA-3'